The following is an entry in ClinVar:

ClinVar aggregate classification (germline): Uncertain significance (1 of 4 stars; one submission).

gnomAD v4.1: 3 of 1,614,156 alleles (0.00019%); highest among the groups gnomAD compares: South Asian, 0.0011%; no homozygotes.

Submission:

Ambry Genetics
Classification: Uncertain significance. Last evaluated: 2025-03-07. Review status: criteria provided, single submitter. Criteria: Ambry Variant Classification Scheme 2023. Collection method: clinical testing. Allele origin: germline.
Comment: The p.S103G variant (also known as c.307A>G), located in coding exon 3 of the SRP72 gene, results from an A to G substitution at nucleotide position 307. The serine at codon 103 is replaced by glycine, an amino acid with similar properties. This amino acid position is conserved. In addition, this alteration is predicted to be tolerated by in silico analysis. Based on the available evidence, the clinical significance of this variant remains unclear.

NM_006947.4(SRP72):c.307A>G (p.Ser103Gly)

Gene: SRP72 (signal recognition particle 72; plus strand). Cytogenetic location: 4q12.
Variant type: single nucleotide variant.
Coding change: c.307A>G on transcript NM_006947.4 (MANE Select); coding-DNA position 307, A replaced by G.
Protein change: p.Ser103Gly; replaces serine 103 with glycine.
Molecular consequence: missense variant. On other transcripts: non-coding transcript variant (1).
Genome position (GRCh38, 1-based): chr4:56,471,796, A>G. VCF-style: chr4-56471796-A-G. GRCh37 (hg19) VCF-style: chr4-57337962-A-G.
Other names: c.307A>G, p.Ser103Gly (NM_001267722.2); short protein forms S103G.
Identifiers: ClinVar variation 3801514 (VCV003801514.1).